The following is an entry in ClinVar:

ClinVar aggregate classification (germline): Uncertain significance. Review status: criteria provided, multiple submitters, no conflicts (2 of 4 stars). 2 submissions from 2 submitters: Uncertain significance (2). Last evaluated 2025-07-15.

Conditions:
Inborn genetic diseases. Identifiers: MedGen C0950123, MeSH D030342.
Orthostatic hypotension 1 (ORTHYP1). Also called: NORADRENALINE DEFICIENCY; NOREPINEPHRINE DEFICIENCY; Dopamine beta-hydroxylase deficiency; Orthostatic hypotension 1, due to DBH deficiency. Identifiers: Orphanet 230, MedGen C4746777, MONDO:0009123, OMIM 223360.

Allele frequency attached by ClinVar (database versions not stated): gnomAD 0.00001; gnomAD exomes 0.00001; TOPMed 0.00001; ExAC 0.00005.
gnomAD v4.1: 16 of 1,613,688 alleles (0.00099%); highest among the groups gnomAD compares: East Asian, 0.0022%; no homozygotes.

Submissions (2):

Ambry Genetics
Classification: Uncertain significance for Inborn genetic diseases. Last evaluated: 2025-07-15. Review status: criteria provided, single submitter. Criteria: Ambry Variant Classification Scheme 2023. Collection method: clinical testing. Allele origin: germline.

Labcorp Genetics (formerly Invitae), Labcorp
Classification: Uncertain significance for Orthostatic hypotension 1. Last evaluated: 2024-12-09. Review status: criteria provided, single submitter. Criteria: Invitae Variant Classification Sherloc (09022015). Collection method: clinical testing. Allele origin: germline.
Comment: This sequence change replaces arginine, which is basic and polar, with histidine, which is basic and polar, at codon 572 of the DBH protein (p.Arg572His). This variant is present in population databases (rs779175184, gnomAD 0.005%). This variant has not been reported in the literature in individuals affected with DBH-related conditions. ClinVar contains an entry for this variant (Variation ID: 2151619). Invitae Evidence Modeling of protein sequence and biophysical properties (such as structural, functional, and spatial information, amino acid conservation, physicochemical variation, residue mobility, and thermodynamic stability) has been performed for this missense variant. However, the output from this modeling did not meet the statistical confidence thresholds required to predict the impact of this variant on DBH protein function. In summary, the available evidence is currently insufficient to determine the role of this variant in disease. Therefore, it has been classified as a Variant of Uncertain Significance.

NM_000787.4(DBH):c.1715G>A (p.Arg572His)

Genes: DBH (dopamine beta-hydroxylase; plus strand), DBH-AS1 (DBH antisense RNA 1; minus strand). Cytogenetic location: 9q34.2.
Variant type: single nucleotide variant.
Coding change: c.1715G>A on transcript NM_000787.4 (MANE Select); coding-DNA position 1715, G replaced by A.
Protein change: p.Arg572His; replaces arginine 572 with histidine.
Molecular consequence: missense variant. On other transcripts: non-coding transcript variant (1).
Genome position (GRCh38, 1-based): chr9:133,657,222, G>A. VCF-style: chr9-133657222-G-A. GRCh37 (hg19) VCF-style: chr9-136522344-G-A.
Other names: c.1715G>A (NM_000787.3); short protein forms R572H.
Identifiers: ClinVar variation 2151619 (VCV002151619.5), dbSNP rs779175184, ClinGen allele CA5313655.